The following is an entry in ClinVar:

NM_017909.4(RMND1):c.1200+1G>A

Gene: RMND1 (required for meiotic nuclear division 1 homolog; minus strand). Cytogenetic location: 6q25.1.
Variant type: single nucleotide variant.
Coding change: c.1200+1G>A on transcript NM_017909.4 (MANE Select); the canonical splice donor site of the intron after coding-DNA position 1200, G replaced by A.
Molecular consequence: splice donor variant.
Genome position (GRCh38, 1-based): chr6:151,417,278, C>T on the plus strand (G>A on the coding strand, the complement: RMND1 is on the minus strand). VCF-style: chr6-151417278-C-T. GRCh37 (hg19) VCF-style: chr6-151738413-C-T.
Other names: c.690+1G>A (NM_001271937.2).
Identifiers: ClinVar variation 1960607 (VCV001960607.5), dbSNP rs768951837, ClinGen allele CA4050785.

ClinVar aggregate classification (germline): Likely pathogenic (1 of 4 stars; one submission).

Allele frequency attached by ClinVar (database versions not stated): gnomAD exomes below 0.00001; ExAC 0.00001.
gnomAD v4.1: 2 of 1,607,358 alleles (0.00012%); highest among the groups gnomAD compares: South Asian, 0.0022%; no homozygotes.

Submission:

Labcorp Genetics (formerly Invitae), Labcorp
Classification: Likely pathogenic. Last evaluated: 2023-11-27. Review status: criteria provided, single submitter. Criteria: Invitae Variant Classification Sherloc (09022015). Collection method: clinical testing. Allele origin: germline.
Comment: This sequence change affects a donor splice site in intron 10 of the RMND1 gene. It is expected to disrupt RNA splicing. Variants that disrupt the donor or acceptor splice site typically lead to a loss of protein function (PMID: 16199547), and loss-of-function variants in RMND1 are known to be pathogenic (PMID: 27412952). The frequency data for this variant in the population databases is considered unreliable, as metrics indicate poor data quality at this position in the gnomAD database. This variant has not been reported in the literature in individuals affected with RMND1-related conditions. ClinVar contains an entry for this variant (Variation ID: 1960607). Algorithms developed to predict the effect of sequence changes on RNA splicing suggest that this variant may disrupt the consensus splice site. In summary, the currently available evidence indicates that the variant is pathogenic, but additional data are needed to prove that conclusively. Therefore, this variant has been classified as Likely Pathogenic.

Literature cited by the submitters: PubMed 16199547; PubMed 27412952.